The following is an entry in ClinVar:

ClinVar aggregate classification (germline): conflicting data from submitters (0 of 4 stars; one submission).

Submission:

ISCA Site 6
Classification: conflicting data from submitters. Review status: no assertion criteria provided. Collection method: clinical testing. Allele origin: unknown. Affected: yes. Observed: 8 variant alleles. Clinical features observed: Developmental delay AND/OR other significant developmental or morphological phenotypes.
Comment: Uncertain significance(1), Likely benign (7)

Copy number variation identified through the course of routine clinical cytogenomic testing in postnatal populations, with clinical assertions as classified by the original submitter. For data from the original published study, Kaminsky, et al. 2011 (PubMed 21844811), please see nstd101.

GRCh37/hg19 19p13.12(chr19:14139111-14150649)x3

Genes: IL27RA (interleukin 27 receptor subunit alpha; plus strand), RLN3 (relaxin 3; plus strand). Cytogenetic location: 19p13.12.
Variant type: copy number gain.
Change: copy number 3 (three copies instead of two) of chr19:14,139,111-14,150,649 (11.5 kb, GRCh37 coordinates, 1-based), cytogenetic band 19p13.12.
Identifiers: ClinVar variation 394234 (VCV000394234.3).